The following is an entry in ClinVar:

ClinVar aggregate classification (germline): Conflicting classifications of pathogenicity. Review status: criteria provided, conflicting classifications (1 of 4 stars). 2 submissions from 2 submitters: Uncertain significance (1); Likely benign (1). Last evaluated 2025-04-24.

Conditions:
Inborn genetic diseases. Identifiers: MedGen C0950123, MeSH D030342.
Alpha-methylacyl-CoA racemase deficiency (AMACRD). Also called: AMACR deficiency. Identifiers: Orphanet 79095, MedGen C3280428, MONDO:0013681, OMIM 614307. Disease mechanism: loss of function.

Allele frequency attached by ClinVar (database versions not stated): gnomAD exomes below 0.00001.
gnomAD v4.1: 5 of 1,611,092 alleles (0.00031%); highest among the groups gnomAD compares: South Asian, 0.0022%; no homozygotes.

Submissions (2):

Ambry Genetics
Classification: Likely benign for Inborn genetic diseases. Last evaluated: 2025-04-24. Review status: criteria provided, single submitter. Criteria: Ambry Variant Classification Scheme 2023. Collection method: clinical testing. Allele origin: germline.

Labcorp Genetics (formerly Invitae), Labcorp
Classification: Uncertain significance for Alpha-methylacyl-CoA racemase deficiency. Last evaluated: 2022-07-22. Review status: criteria provided, single submitter. Criteria: Invitae Variant Classification Sherloc (09022015). Collection method: clinical testing. Allele origin: germline.
Comment: In summary, the available evidence is currently insufficient to determine the role of this variant in disease. Therefore, it has been classified as a Variant of Uncertain Significance. Algorithms developed to predict the effect of missense changes on protein structure and function output the following: SIFT: "Tolerated"; PolyPhen-2: "Benign"; Align-GVGD: "Class C0". The leucine amino acid residue is found in multiple mammalian species, which suggests that this missense change does not adversely affect protein function. This variant has not been reported in the literature in individuals affected with AMACR-related conditions. This variant is not present in population databases (gnomAD no frequency). This sequence change replaces serine, which is neutral and polar, with leucine, which is neutral and non-polar, at codon 7 of the AMACR protein (p.Ser7Leu).

NM_014324.6(AMACR):c.20C>T (p.Ser7Leu)

Genes: C1QTNF3-AMACR (C1QTNF3-AMACR readthrough (NMD candidate); minus strand), AMACR (alpha-methylacyl-CoA racemase; minus strand). Cytogenetic location: 5p13.2.
Variant type: single nucleotide variant.
Coding change: c.20C>T on transcript NM_014324.6 (MANE Select); coding-DNA position 20, C replaced by T.
Protein change: p.Ser7Leu; replaces serine 7 with leucine.
Molecular consequence: missense variant.
Genome position (GRCh38, 1-based): chr5:34,008,000, G>A on the plus strand (C>T on the coding strand, the complement: AMACR is on the minus strand). VCF-style: chr5-34008000-G-A. GRCh37 (hg19) VCF-style: chr5-34008105-G-A.
Other names: c.20C>T, p.Ser7Leu (NM_001167595.2, NM_203382.3); c.20C>T (NM_014324.5); short protein forms S7L.
Identifiers: ClinVar variation 1900881 (VCV001900881.5), dbSNP rs1333701891, ClinGen allele CA359385487.